The following is an entry in ClinVar:

ClinVar aggregate classification (germline): Uncertain significance. Review status: criteria provided, multiple submitters, no conflicts (2 of 4 stars). 6 submissions from 6 submitters: Uncertain significance (6). Last evaluated 2026-08-06.

Conditions:
Cardiac arrhythmia. Also called: Arrhythmia; Cardiac rhythm disease. Identifiers: MedGen C0003811, MONDO:0007263, HP:0011675.
Cardiovascular phenotype. Identifiers: MedGen CN230736.
Long QT syndrome (LQTS). Identifiers: MedGen C0023976, MeSH D008133, MONDO:0002442. Disease mechanism: loss of function. Inheritance: Various modes of inheritance.
Long QT syndrome 2 (LQT2). Identifiers: Orphanet 101016, Orphanet 768, MedGen C3150943, MONDO:0013367, OMIM 613688.

Allele frequency attached by ClinVar (database versions not stated): gnomAD 0.00001; gnomAD exomes 0.00001; TOPMed 0.00001.

Submissions (6):

GeneDx
Classification: Uncertain significance. Last evaluated: 2026-08-06. Review status: criteria provided, single submitter. Criteria: GeneDx Variant Classification Process June 2021. Collection method: clinical testing. Allele origin: germline.
Comment: Not observed at significant frequency in large population cohorts (gnomAD); In silico analysis supports that this missense variant has a deleterious effect on protein structure/function; This variant is associated with the following publications: (PMID: 39226896)

Color Diagnostics, LLC DBA Color Health
Classification: Uncertain significance for Cardiac arrhythmia. Last evaluated: 2025-08-25. Review status: criteria provided, single submitter. Criteria: ACMG Guidelines, 2015. Collection method: clinical testing. Allele origin: germline.
Comment: This missense variant replaces proline with serine at codon 1157 of the KCNH2 protein. Computational prediction is inconclusive regarding the impact of this variant on protein structure and function. To our knowledge, functional studies have not been reported for this variant. This variant has not been reported in individuals affected with KCNH2-related disorders in the literature. This variant has not been identified in the general population by the Genome Aggregation Database (gnomAD). The available evidence is insufficient to determine the role of this variant in disease conclusively. Therefore, this variant is classified as a Variant of Uncertain Significance.

Labcorp Genetics (formerly Invitae), Labcorp
Classification: Uncertain significance for Long QT syndrome. Last evaluated: 2025-04-07. Review status: criteria provided, single submitter. Criteria: Invitae Variant Classification Sherloc (09022015). Collection method: clinical testing. Allele origin: germline.
Comment: This sequence change replaces proline, which is neutral and non-polar, with serine, which is neutral and polar, at codon 1157 of the KCNH2 protein (p.Pro1157Ser). This variant is not present in population databases (gnomAD no frequency). This variant has not been reported in the literature in individuals affected with KCNH2-related conditions. ClinVar contains an entry for this variant (Variation ID: 456933). An algorithm developed to predict the effect of missense changes on protein structure and function (PolyPhen-2) suggests that this variant is likely to be disruptive. In summary, the available evidence is currently insufficient to determine the role of this variant in disease. Therefore, it has been classified as a Variant of Uncertain Significance.

All of Us Research Program, National Institutes of Health
Classification: Uncertain significance for Long QT syndrome. Last evaluated: 2024-02-22. Review status: criteria provided, single submitter. Criteria: ACMG Guidelines, 2015. Collection method: clinical testing. Allele origin: germline. Inheritance: Autosomal dominant inheritance. Observed: 6 variant alleles, 6 heterozygotes.
Comment: This missense variant replaces proline with serine at codon 1157 of the KCNH2 protein. Computational prediction suggests that this variant may have deleterious impact on protein structure and function (internally defined REVEL score threshold >= 0.7, PMID: 27666373). To our knowledge, functional studies have not been reported for this variant. This variant has not been reported in individuals affected with cardiovascular disorders in the literature. This variant has not been identified in the general population by the Genome Aggregation Database (gnomAD). The available evidence is insufficient to determine the role of this variant in disease conclusively. Therefore, this variant is classified as a Variant of Uncertain Significance.

This study involves interpretation of variants in research participants for the purpose of population health screening. Participant phenotype was not available at the time of variant classification. Additional details can be found in publication PMID: 35346344, PMCID: PMC8962531

Ambry Genetics
Classification: Uncertain significance for Cardiovascular phenotype. Last evaluated: 2023-04-06. Review status: criteria provided, single submitter. Criteria: Ambry Variant Classification Scheme 2023. Collection method: clinical testing. Allele origin: germline.
Comment: The p.P1157S variant (also known as c.3469C>T), located in coding exon 15 of the KCNH2 gene, results from a C to T substitution at nucleotide position 3469. The proline at codon 1157 is replaced by serine, an amino acid with similar properties. This amino acid position is highly conserved in available vertebrate species. In addition, the in silico prediction for this alteration is inconclusive. Since supporting evidence is limited at this time, the clinical significance of this alteration remains unclear.

Victorian Clinical Genetics Services, Murdoch Childrens Research Institute
Classification: Uncertain significance for Long QT syndrome 2. Last evaluated: 2022-03-31. Review status: criteria provided, single submitter. Criteria: ACMG Guidelines, 2015. Collection method: clinical testing. Allele origin: germline. Inheritance: Autosomal dominant inheritance. Affected: yes.
Comment: Based on the classification scheme VCGS_Germline_v1.3.4, this variant is classified as VUS-3B. Following criteria are met: 0103 - Dominant negative and loss of function are known mechanisms of disease in this gene and are associated with Long QT syndrome 2 (MIM#613688). Gain of function is also a known mechanism associated with Short QT syndrome 1 (MIM#609620) (OMIM, PMID: 10753933; PMID: 21777565). (I) 0107 - This gene is associated with autosomal dominant disease. (I) 0112 - The condition associated with this gene has incomplete penetrance (PMID: 20301308). (I) 0200 - Variant is predicted to result in a missense amino acid change from proline to serine. (I) 0251 - This variant is heterozygous. (I) 0302 - Variant is present in gnomAD (v3) <0.001 for a dominant condition (1 heterozygote, 0 homozygotes). (SP) 0309 - An alternative amino acid change at the same position has been observed in gnomAD (v2) (4 heterozygotes, 0 homozygotes). (I) 0502 - Missense variant with conflicting in silico predictions and uninformative conservation. (I) 0604 - Variant is not located in an established domain, motif, hotspot or informative constraint region. (I) 0710 - Other missense variants comparable to the one identified in this case have inconclusive previous evidence for pathogenicity. Alternative changes (p.(Pro1157Leu), p.(Pro1157Gln)) have been reported as VUSs, and observed once in a sudden infant death syndrome cohort (LOVD, ClinVar, PMID: 15913580, PMID: 31696929). (I) 0809 - Previous evidence of pathogenicity for this variant is inconclusive. This variant has been reported twice as a VUS (ClinVar). (I) 0905 - No published segregation evidence has been identified for this variant. (I) 1007 - No published functional evidence has been identified for this variant. (I) 1208 - Inheritance information for this variant is not currently available in this individual. (I) Legend: (SP) - Supporting pathogenic, (I) - Information, (SB) - Supporting benign

Literature cited by the submitters: PubMed 10753933 (cited by Victorian Clinical Genetics Services, Murdoch Childrens Research Institute); PubMed 15913580 (cited by Victorian Clinical Genetics Services, Murdoch Childrens Research Institute); PubMed 20301308 (cited by Victorian Clinical Genetics Services, Murdoch Childrens Research Institute); PubMed 21777565 (cited by Victorian Clinical Genetics Services, Murdoch Childrens Research Institute); PubMed 31696929 (cited by Victorian Clinical Genetics Services, Murdoch Childrens Research Institute).

NM_000238.4(KCNH2):c.3469C>T (p.Pro1157Ser)

Gene: KCNH2 (potassium voltage-gated channel subfamily H member 2; minus strand). Cytogenetic location: 7q36.1.
Variant type: single nucleotide variant.
Coding change: c.3469C>T on transcript NM_000238.4 (MANE Select); coding-DNA position 3469, C replaced by T.
Protein change: p.Pro1157Ser; replaces proline 1157 with serine.
Molecular consequence: missense variant.
Genome position (GRCh38, 1-based): chr7:150,945,376, G>A on the plus strand (C>T on the coding strand, the complement: KCNH2 is on the minus strand). VCF-style: chr7-150945376-G-A. GRCh37 (hg19) VCF-style: chr7-150642464-G-A.
Other names: c.3469C>T (NM_000238.2); c.2449C>T, p.Pro817Ser (NM_172057.3); short protein forms P1157S, P817S.
Identifiers: ClinVar variation 456933 (VCV000456933.23), dbSNP rs1449906095, ClinGen allele CA369851355.